The following is an entry in ClinVar:

ClinVar aggregate classification (germline): Pathogenic (1 of 4 stars; one submission).

Conditions:
Hypophosphatasia. Also called: Phosphoethanol-aminuria. Identifiers: Orphanet 436, MedGen C0020630, MeSH D007014, MONDO:0018570.

gnomAD v4.1: 1 of 1,613,450 alleles (0.000062%); highest among the groups gnomAD compares: Non-Finnish European, 0.000085%; no homozygotes.

Submission:

Genomenon, Inc
Classification: Pathogenic for Hypophosphatasia. Last evaluated: 2025-08-29. Review status: criteria provided, single submitter. Criteria: Genomenon Sequence Variant Interpretation Standards. Collection method: curation. Allele origin: germline. Affected: yes.
Comment: ALPL p.Asn430Ser (c.1289A>G) is a missense variant that changes the amino acid at residue 430 from Asparagine to Serine. This variant has been observed in at least one proband affected with hypophosphatasia (PMID:31707452;25731960;17519318). At least one functional study has demonstrated a substantial alteration in protein function relative to the wild-type (PMID:26797772). It is absent or not present at a significant frequency in gnomAD. In silico models agree that this variant is possibly or probably damaging. In conclusion, we classify ALPL p.Asn430Ser (c.1289A>G) as a pathogenic variant.

Literature cited by the submitters: PubMed 31707452; PubMed 25731960; PubMed 17519318; PubMed 26797772.

NM_000478.6(ALPL):c.1289A>G (p.Asn430Ser)

Gene: ALPL (alkaline phosphatase, biomineralization associated; plus strand). Cytogenetic location: 1p36.12.
Variant type: single nucleotide variant.
Coding change: c.1289A>G on transcript NM_000478.6 (MANE Select); coding-DNA position 1289, A replaced by G.
Protein change: p.Asn430Ser; replaces asparagine 430 with serine.
Molecular consequence: missense variant.
Genome position (GRCh38, 1-based): chr1:21,576,621, A>G. VCF-style: chr1-21576621-A-G. GRCh37 (hg19) VCF-style: chr1-21903114-A-G.
Other names: c.1124A>G, p.Asn375Ser (NM_001127501.4); c.1058A>G, p.Asn353Ser (NM_001177520.3); c.1289A>G, p.Asn430Ser (NM_001369803.2, NM_001369804.2, NM_001369805.2); short protein forms N353S, N375S, N430S.
Identifiers: ClinVar variation 4086889 (VCV004086889.1).